The following is an entry in ClinVar:

ClinVar aggregate classification (germline): Pathogenic/Likely pathogenic. Review status: criteria provided, multiple submitters, no conflicts (2 of 4 stars). 5 submissions from 5 submitters: Pathogenic (3); Likely pathogenic (1). 1 of the submissions does not count toward it. Last evaluated 2026-01-20.

Conditions:
Lysinuric protein intolerance (LPI). Identifiers: Orphanet 470, MedGen C0268647, MONDO:0009109, OMIM 222700.

Allele frequency attached by ClinVar (database versions not stated): gnomAD exomes 0.00001 and below 0.00001; TOPMed 0.00003; ExAC 0.00001.

Submissions (5):

Natera, Inc.
Classification: Pathogenic for Lysinuric protein intolerance. Last evaluated: 2026-01-20. Review status: criteria provided, single submitter. Criteria: Natera Variant Classification Schema (03/2026). Collection method: clinical testing. Allele origin: germline.
Comment: The c.1387delG variant in SLC7A7 is a frameshift variant predicted to elongate the protein beyond the termination codon. This variant is expected to result in nonsense mediated decay, truncation, or a dysfunctional protein product. This variant is rare in the general population with a frequency below the threshold expected for the associated phenotype(s). This variant has been observed in one or more individuals affected with the associated recessive disease, as either homozygous or compound heterozygous with a second variant (PMID: 34006472). Given the available evidence, this variant is classified as Pathogenic.

Labcorp Genetics (formerly Invitae), Labcorp
Classification: Pathogenic for Lysinuric protein intolerance. Last evaluated: 2024-12-02. Review status: criteria provided, single submitter. Criteria: Invitae Variant Classification Sherloc (09022015). Collection method: clinical testing. Allele origin: germline.
Comment: This sequence change results in a frameshift in the SLC7A7 gene (p.Val463Cysfs*56). While this is not anticipated to result in nonsense mediated decay, it is expected to disrupt the last 49 amino acid(s) of the SLC7A7 protein and extend the protein by 6 additional amino acid residues. This variant is present in population databases (rs386833806, gnomAD 0.01%). This frameshift has been observed in individual(s) with lysinuric protein intolerance (PMID: 12402335). This variant is also known as c.1673delG. ClinVar contains an entry for this variant (Variation ID: 56358). This variant disrupts a region of the SLC7A7 protein in which other variant(s) (p.Cys487Leufs*32) have been determined to be pathogenic (PMID: 10655553; internal data). This suggests that this is a clinically significant region of the protein, and that variants that disrupt it are likely to be disease-causing. For these reasons, this variant has been classified as Pathogenic.

Fulgent Genetics
Classification: Likely pathogenic for Lysinuric protein intolerance. Last evaluated: 2024-03-28. Review status: criteria provided, single submitter. Criteria: ACMG Guidelines, 2015. Collection method: clinical testing. Allele origin: germline.

Women's Health and Genetics/Laboratory Corporation of America, LabCorp
Classification: Pathogenic for Lysinuric protein intolerance. Last evaluated: 2023-06-12. Review status: criteria provided, single submitter. Criteria: LabCorp Variant Classification Summary - May 2015. Collection method: clinical testing. Allele origin: germline.
Comment: Variant summary: SLC7A7 c.1387delG (p.Val463CysfsX56) causes a frameshift which results in an extension of the protein. The variant allele was found at a frequency of 8e-06 in 251434 control chromosomes (gnomAD). c.1387delG has been reported in the literature in compound heterozygous individuals affected with Lysinuric Protein Intolerance (e.g. Shoji_2002, Zhang_2017, Yu_2021). These data indicate that the variant is likely to be associated with disease. The following publications have been ascertained in the context of this evaluation (PMID: 12402335, 34589056, 29058386). Two clinical diagnostic laboratories have submitted clinical-significance assessments for this variant to ClinVar after 2014 and classified the variant as pathogenic. Based on the evidence outlined above, the variant was classified as pathogenic.

Juha Muilu Group; Institute for Molecular Medicine Finland (FIMM)
Classification: Likely pathogenic for Lysinuric protein intolerance. Review status: no assertion criteria provided. Collection method: not provided. Allele origin: unknown. Not counted in ClinVar's aggregate classification.
Comment: FinDis database variant: This variant was not found or characterized by our laboratory, data were collected from public sources: see reference
ClinVar note: Converted during submission from probable-pathogenic to Likely pathogenic.

Literature cited by the submitters: PubMed 34006472 (cited by Natera, Inc.); PubMed 12402335 (cited by Labcorp Genetics (formerly Invitae), Labcorp and Women's Health and Genetics/Laboratory Corporation of America, LabCorp); PubMed 10655553 (cited by Labcorp Genetics (formerly Invitae), Labcorp); PubMed 29058386 (cited by Women's Health and Genetics/Laboratory Corporation of America, LabCorp); PubMed 34589056 (cited by Women's Health and Genetics/Laboratory Corporation of America, LabCorp).

NM_003982.4(SLC7A7):c.1387del (p.Val463fs)

Gene: SLC7A7 (solute carrier family 7 member 7; minus strand). Cytogenetic location: 14q11.2.
Variant type: Deletion.
Coding change: c.1387del on transcript NM_003982.4 (MANE Select); coding-DNA position 1387, one base deleted (G; older notation c.1387delG).
Protein change: p.Val463fs; shifts the reading frame from valine 463.
Molecular consequence: frameshift variant.
Genome position (GRCh38, 1-based): chr14:22,773,975, C deleted on the plus strand (G on the coding strand, the reverse complement: SLC7A7 is on the minus strand). VCF-style (leftmost placement, unchanged base first): chr14-22773974-AC-A. GRCh37 (hg19) VCF-style: chr14-23243183-AC-A.
Other names: c.1387del, p.Val463fs (NM_001126105.3, NM_001126106.4); c.1387delG (NM_001126105.2, NM_001126106.2); short protein forms V463fs.
Identifiers: ClinVar variation 56358 (VCV000056358.17), dbSNP rs386833806, ClinGen allele CA263789.